The following is an entry in ClinVar:

NM_001330723.2(SNX27):c.755T>C (p.Ile252Thr)

Gene: SNX27 (sorting nexin 27; plus strand). Cytogenetic location: 1q21.3.
Variant type: single nucleotide variant.
Coding change: c.755T>C on transcript NM_001330723.2 (MANE Select); coding-DNA position 755, T replaced by C.
Protein change: p.Ile252Thr; replaces isoleucine 252 with threonine.
Molecular consequence: missense variant.
Genome position (GRCh38, 1-based): chr1:151,660,816, T>C. VCF-style: chr1-151660816-T-C. GRCh37 (hg19) VCF-style: chr1-151633292-T-C.
Other names: c.755T>C, p.Ile252Thr (NM_030918.6); short protein forms I252T.
Identifiers: ClinVar variation 941514 (VCV000941514.10), dbSNP rs1669930051, ClinGen allele CA341960983.

ClinVar aggregate classification (germline): Uncertain significance (1 of 4 stars; one submission).

Conditions:
Severe myoclonic epilepsy in infancy (DRVT). Also called: SEVERE MYOCLONIC EPILEPSY OF INFANCY; DEVELOPMENTAL AND EPILEPTIC ENCEPHALOPATHY 6A; Dravet syndrome; Epileptic encephalopathy, early infantile, 6 (Dravet syndrome); Severe Myoclonic Epilepsy in Infancy (SMEI). Identifiers: Orphanet 33069, MedGen C0751122, MONDO:0100135, OMIM 607208.

Submission:

Labcorp Genetics (formerly Invitae), Labcorp
Classification: Uncertain significance for Severe myoclonic epilepsy in infancy. Last evaluated: 2021-01-06. Review status: criteria provided, single submitter. Criteria: Invitae Variant Classification Sherloc (09022015). Collection method: clinical testing. Allele origin: germline.
Comment: This variant is not present in population databases (ExAC no frequency). This variant has not been reported in the literature in individuals with SNX27-related conditions. ClinVar contains an entry for this variant (Variation ID: 941514). Algorithms developed to predict the effect of missense changes on protein structure and function (SIFT, PolyPhen-2, Align-GVGD) all suggest that this variant is likely to be disruptive, but these predictions have not been confirmed by published functional studies and their clinical significance is uncertain. In summary, the available evidence is currently insufficient to determine the role of this variant in disease. Therefore, it has been classified as a Variant of Uncertain Significance. This sequence change replaces isoleucine with threonine at codon 252 of the SNX27 protein (p.Ile252Thr). The isoleucine residue is highly conserved and there is a moderate physicochemical difference between isoleucine and threonine.